The following is an entry in ClinVar:

ClinVar aggregate classification (germline): Likely pathogenic (1 of 4 stars; one submission).

Conditions:
Autosomal dominant familial hematuria-retinal arteriolar tortuosity-contractures syndrome. Also called: Angiopathy, hereditary, with nephropathy, aneurysms, and muscle cramps; Hereditary Angiopathy with Nephropathy, Aneurysms, and Muscle Cramps (HANAC) Syndrome. Identifiers: Orphanet 73229, MedGen C2673195, MONDO:0012726, OMIM 611773.

Submission:

Victorian Clinical Genetics Services, Murdoch Childrens Research Institute
Classification: Likely pathogenic for Autosomal dominant familial hematuria-retinal arteriolar tortuosity-contractures syndrome. Last evaluated: 2021-05-06. Review status: criteria provided, single submitter. Criteria: ACMG Guidelines, 2015. Collection method: clinical testing. Allele origin: germline. Inheritance: Autosomal dominant inheritance.
Comment: Based on the classification scheme VCGS_Germline_v1.3.4, this variant is classified as Likely Pathogenic. Following criteria are met: 0103 - Dominant negative and loss of function are known mechanisms of disease in this gene and are associated with COL4A1-related disease (PMIDs: 27794444; 23065703). (I) 0107 - This gene is associated with autosomal dominant disease. (I) 0112 - The condition associated with this gene has incomplete penetrance (PMID: 21625620). (I) 0200 - Variant is predicted to result in a missense amino acid change from glycine to alanine. (I) 0219 - This variant is non-coding in an alternative transcript. However it is coding in the transcript predominantly reported in ClinVar and with higher expression in GTEx. (I) 0251 - This variant is heterozygous. (I) 0301 - Variant is absent from gnomAD (both v2 and v3). (SP) 0501 - Missense variant consistently predicted to be damaging by multiple in silico tools or highly conserved with a major amino acid change. (SP) 0601 - Variant is located in the well-established functional triple helix motif of the collagen domain (NCBI, DECIPHER, PDB). (SP) 0705 - No comparable missense variants affecting this same amino acid have previous evidence for pathogenicity. (I) 0807 - This variant has no previous evidence of pathogenicity. (I) 0905 - No published segregation evidence has been identified for this variant. (I) 1007 - No published functional evidence has been identified for this variant. (SP) Legend: (SP) - Supporting pathogenic, (I) - Information, (SB) - Supporting benign

Literature cited by the submitters: PubMed 21625620; PubMed 23065703; PubMed 27794444.

NM_001845.6(COL4A1):c.3068G>C (p.Gly1023Ala)

Gene: COL4A1 (collagen type IV alpha 1 chain; minus strand). Cytogenetic location: 13q34.
Variant type: single nucleotide variant.
Coding change: c.3068G>C on transcript NM_001845.6 (MANE Select); coding-DNA position 3068, G replaced by C.
Protein change: p.Gly1023Ala; replaces glycine 1023 with alanine.
Molecular consequence: missense variant.
Genome position (GRCh38, 1-based): chr13:110,175,348, C>G on the plus strand (G>C on the coding strand, the complement: COL4A1 is on the minus strand). VCF-style: chr13-110175348-C-G. GRCh37 (hg19) VCF-style: chr13-110827695-C-G.
Other names: c.3068G>C (NM_001845.5); short protein forms G1023A.
Identifiers: ClinVar variation 975100 (VCV000975100.4), dbSNP rs1877834934, ClinGen allele CA388665674.